The following is an entry in ClinVar:

ClinVar aggregate classification (germline): Uncertain significance (1 of 4 stars; one submission).

Conditions:
Aortic valve disease 2 (AOVD2). Identifiers: MedGen C3542024, MONDO:0013902, OMIM 614823.

Submission:

Labcorp Genetics (formerly Invitae), Labcorp
Classification: Uncertain significance for Aortic valve disease 2. Last evaluated: 2023-05-24. Review status: criteria provided, single submitter. Criteria: Invitae Variant Classification Sherloc (09022015). Collection method: clinical testing. Allele origin: germline.
Comment: Advanced modeling of protein sequence and biophysical properties (such as structural, functional, and spatial information, amino acid conservation, physicochemical variation, residue mobility, and thermodynamic stability) has been performed at Invitae for this missense variant, however the output from this modeling did not meet the statistical confidence thresholds required to predict the impact of this variant on TBX5 protein function. This variant has not been reported in the literature in individuals affected with TBX5-related conditions. This variant is not present in population databases (gnomAD no frequency). This sequence change replaces arginine, which is basic and polar, with leucine, which is neutral and non-polar, at codon 134 of the TBX5 protein (p.Arg134Leu). In summary, the available evidence is currently insufficient to determine the role of this variant in disease. Therefore, it has been classified as a Variant of Uncertain Significance.

NM_181486.4(TBX5):c.401G>T (p.Arg134Leu)

Gene: TBX5 (T-box transcription factor 5; minus strand). Cytogenetic location: 12q24.21.
Variant type: single nucleotide variant.
Coding change: c.401G>T on transcript NM_181486.4 (MANE Select); coding-DNA position 401, G replaced by T.
Protein change: p.Arg134Leu; replaces arginine 134 with leucine.
Molecular consequence: missense variant.
Genome position (GRCh38, 1-based): chr12:114,398,682, C>A on the plus strand (G>T on the coding strand, the complement: TBX5 is on the minus strand). VCF-style: chr12-114398682-C-A. GRCh37 (hg19) VCF-style: chr12-114836487-C-A.
Other names: c.401G>T, p.Arg134Leu (NM_000192.3); c.251G>T, p.Arg84Leu (NM_080717.4); short protein forms R84L, R134L.
Identifiers: ClinVar variation 2710024 (VCV002710024.3), dbSNP rs2540471613, ClinGen allele CA386862173.
Genomic context (GRCh38, chr12:114,398,682, plus strand): 5'-GAGACGAGCTGCCTCATCCAATGCGCCCCGGTGGCGGGGGAGTCTGGGTGCACGTACAGG[C>A]GGCCAGGCATGGCGGGCTCAGCTTTGCCCGTCACAGACCTAGATGAAGGAGAGGTGTACT-3'
Protein context (NP_852259.1, residues 124-144): TGKAEPAMPG[Arg134Leu]LYVHPDSPAT